The following is an entry in ClinVar:

NM_138691.3(TMC1):c.1608C>T (p.Tyr536=)

Gene: TMC1 (transmembrane channel like 1; plus strand). Cytogenetic location: 9q21.13.
Variant type: single nucleotide variant.
Coding change: c.1608C>T on transcript NM_138691.3 (MANE Select); coding-DNA position 1608, C replaced by T.
Protein change: p.Tyr536=; no amino-acid change (tyrosine 536 retained).
Molecular consequence: synonymous variant.
Genome position (GRCh38, 1-based): chr9:72,805,423, C>T. VCF-style: chr9-72805423-C-T. GRCh37 (hg19) VCF-style: chr9-75420339-C-T.
Identifiers: ClinVar variation 367258 (VCV000367258.13), dbSNP rs552170649, ClinGen allele CA5081997.

ClinVar aggregate classification (germline): Conflicting classifications of pathogenicity. Review status: criteria provided, conflicting classifications (1 of 4 stars). 4 submissions from 3 submitters: Uncertain significance (3); Likely benign (1). Last evaluated 2026-09-14.

Conditions:
TMC1-related disorder. Also called: TMC1-related condition; TMC1-related disorders.
Autosomal dominant nonsyndromic hearing loss 36. Identifiers: Orphanet 90635, MedGen C1847626, MONDO:0011708, OMIM 606705.
Autosomal recessive nonsyndromic hearing loss 7. Also called: DEAFNESS, AUTOSOMAL RECESSIVE 11. Identifiers: Orphanet 90636, MedGen C1832978, MONDO:0010967, OMIM 600974.

Allele frequency attached by ClinVar (database versions not stated): gnomAD exomes 0.00001 and 0.00003; ExAC 0.00003; TOPMed 0.00011; gnomAD 0.00012 and 0.00013; 1000 Genomes Project 30x 0.00016; 1000 Genomes Project 0.00020.
gnomAD v4.1: 40 of 1,613,640 alleles (0.0025%); highest among the groups gnomAD compares: African/African-American, 0.036%; no homozygotes.

Submissions (4):

PreventionGenetics, part of Exact Sciences
Classification: Uncertain significance for TMC1-related condition. Last evaluated: 2026-09-14. Review status: criteria provided, single submitter. Criteria: ACMG Guidelines, 2015. Collection method: clinical testing. Allele origin: germline.
Comment: The TMC1 c.1608C>T variant is not predicted to result in an amino acid change (p.=). This variant is predicted to alter splicing based on an available splicing prediction program (SpliceAI, Jaganathan et al. 2019. PubMed ID: 30661751). However, the use of computer prediction programs is not equivalent to functional evidence. To our knowledge, this variant has not been reported in the literature. This variant is reported in 0.032% of alleles in individuals of African descent in gnomAD. At this time, the clinical significance of this variant is uncertain due to the absence of conclusive functional and genetic evidence.

Labcorp Genetics (formerly Invitae), Labcorp
Classification: Likely benign. Last evaluated: 2024-02-19. Review status: criteria provided, single submitter. Criteria: Invitae Variant Classification Sherloc (09022015). Collection method: clinical testing. Allele origin: germline.

Illumina Laboratory Services, Illumina
Classification: Uncertain significance for Autosomal recessive nonsyndromic hearing loss 7. Last evaluated: 2018-01-13. Review status: criteria provided, single submitter. Criteria: ICSL Variant Classification Criteria 13 December 2019. Collection method: clinical testing. Allele origin: germline.

Illumina Laboratory Services, Illumina
Classification: Uncertain significance for Autosomal dominant nonsyndromic hearing loss 36. Last evaluated: 2018-01-13. Review status: criteria provided, single submitter. Criteria: ICSL Variant Classification Criteria 13 December 2019. Collection method: clinical testing. Allele origin: germline.